The following is an entry in ClinVar:

NM_002317.7(LOX):c.1061C>T (p.Thr354Ile)

Genes: SRFBP1 (serum response factor binding protein 1; plus strand), LOX (lysyl oxidase; minus strand). Cytogenetic location: 5q23.1.
Variant type: single nucleotide variant.
Coding change: c.1061C>T on transcript NM_002317.7 (MANE Select); coding-DNA position 1061, C replaced by T.
Protein change: p.Thr354Ile; replaces threonine 354 with isoleucine.
Molecular consequence: missense variant.
Genome position (GRCh38, 1-based): chr5:122,070,564, G>A on the plus strand (C>T on the coding strand, the complement: LOX is on the minus strand). VCF-style: chr5-122070564-G-A. GRCh37 (hg19) VCF-style: chr5-121406259-G-A.
Other names: c.371C>T, p.Thr124Ile (NM_001178102.2); c.170C>T, p.Thr57Ile (NM_001317073.1); short protein forms T124I, T57I, T354I.
Identifiers: ClinVar variation 3727640 (VCV003727640.2).
Genomic context (GRCh38, chr5:122,070,564, plus strand): 5'-TAGTTTCCAGGTTTTACATCTGTAATATCAATCCACTGGCAGTCTATGTCTGCACCATAG[G>A]TATCATAACAGCCAGGACTCAATCCCTAAGATAAACAAAATAAAAAATTTAAAATTATGG-3'
Protein context (NP_002308.2, residues 344-364): TQGLSPGCYD[Thr354Ile]YGADIDCQWI

ClinVar aggregate classification (germline): Uncertain significance (1 of 4 stars; one submission).

gnomAD v4.1: 2 of 1,604,604 alleles (0.00012%); highest among the groups gnomAD compares: Non-Finnish European, 0.00017%; no homozygotes.

Submission:

Labcorp Genetics (formerly Invitae), Labcorp
Classification: Uncertain significance. Last evaluated: 2025-05-18. Review status: criteria provided, single submitter. Criteria: Invitae Variant Classification Sherloc (09022015). Collection method: clinical testing. Allele origin: germline.
Comment: This sequence change replaces threonine, which is neutral and polar, with isoleucine, which is neutral and non-polar, at codon 354 of the LOX protein (p.Thr354Ile). This variant is present in population databases (rs761396842, gnomAD 0.0009%). This variant has not been reported in the literature in individuals affected with LOX-related conditions. ClinVar contains an entry for this variant (Variation ID: 3727640). Invitae Evidence Modeling of protein sequence and biophysical properties (such as structural, functional, and spatial information, amino acid conservation, physicochemical variation, residue mobility, and thermodynamic stability) has been performed for this missense variant. However, the output from this modeling did not meet the statistical confidence thresholds required to predict the impact of this variant on LOX protein function. In summary, the available evidence is currently insufficient to determine the role of this variant in disease. Therefore, it has been classified as a Variant of Uncertain Significance.